The following is an entry in ClinVar:

ClinVar aggregate classification (germline): Uncertain significance (1 of 4 stars; one submission).

Submission:

Labcorp Genetics (formerly Invitae), Labcorp
Classification: Uncertain significance. Last evaluated: 2025-08-11. Review status: criteria provided, single submitter. Criteria: Invitae Variant Classification Sherloc (09022015). Collection method: clinical testing. Allele origin: germline.
Comment: This sequence change replaces lysine, which is basic and polar, with asparagine, which is neutral and polar, at codon 1123 of the KAT6A protein (p.Lys1123Asn). This variant is not present in population databases (gnomAD no frequency). This variant has not been reported in the literature in individuals affected with KAT6A-related conditions. Invitae Evidence Modeling of protein sequence and biophysical properties (such as structural, functional, and spatial information, amino acid conservation, physicochemical variation, residue mobility, and thermodynamic stability) indicates that this missense variant is not expected to disrupt KAT6A protein function with a negative predictive value of 95%. In summary, the available evidence is currently insufficient to determine the role of this variant in disease. Therefore, it has been classified as a Variant of Uncertain Significance.

NM_006766.5(KAT6A):c.3369G>C (p.Lys1123Asn)

Gene: KAT6A (lysine acetyltransferase 6A; minus strand). Cytogenetic location: 8p11.21.
Variant type: single nucleotide variant.
Coding change: c.3369G>C on transcript NM_006766.5 (MANE Select); coding-DNA position 3369, G replaced by C.
Protein change: p.Lys1123Asn; replaces lysine 1123 with asparagine.
Molecular consequence: missense variant.
Genome position (GRCh38, 1-based): chr8:41,934,851, C>G on the plus strand (G>C on the coding strand, the complement: KAT6A is on the minus strand). VCF-style: chr8-41934851-C-G. GRCh37 (hg19) VCF-style: chr8-41792369-C-G.
Other names: short protein forms K1123N.
Identifiers: ClinVar variation 4747348 (VCV004747348.1).